The following is an entry in ClinVar:

ClinVar aggregate classification (germline): Likely pathogenic. Review status: reviewed by expert panel (3 of 4 stars). 2 submissions from 2 submitters: Likely pathogenic (1). 1 of the submissions does not count toward it. Last evaluated 2026-10-15.

Conditions:
Hereditary thrombocytopenia and hematological cancer predisposition syndrome associated with RUNX1. Also called: Familial Platelet Disorder with Propensity to Acute Myelogenous Leukemia; Familial thrombocytopenia with propensity to acute myelogenous leukemia; RUNX1 Familial Platelet Disorder with Associated Myeloid Malignancies; PLATELET DISORDER, ASPIRIN-LIKE. Identifiers: Orphanet 71290, MedGen C1832388, MeSH C563324, MONDO:0100083, OMIM 601399.
Hereditary thrombocytopenia and hematologic cancer predisposition syndrome. Identifiers: Orphanet 71290, MedGen CN281654, MONDO:0011071.

Submissions (2):

ClinGen Myeloid Malignancy Variant Curation Expert Panel
Classification: Likely pathogenic for Hereditary thrombocytopenia and hematologic cancer predisposition syndrome. Last evaluated: 2026-10-15. Review status: reviewed by expert panel. Criteria: ClinGen MyeloMalig ACMG Specifications V3.1. Collection method: curation. Allele origin: germline. Inheritance: Autosomal dominant inheritance.
Comment: NM_001754.5(RUNX1):c.351+2T>A is a canonical splice site variant which is predicted to result in exon 4 skipping and undergo NMD (PVS1). This variant is completely absent from all population databases with at least 20x coverage for RUNX1 (PM2_Supporting). In summary, this variant meets criteria to be classified as likely pathogenic. ACMG/AMP criteria applied, as specified by the Myeloid Malignancy Variant Curation Expert Panel for RUNX1: PVS1, PM2_Supporting

Labcorp Genetics (formerly Invitae), Labcorp
Classification: Pathogenic for Hereditary thrombocytopenia and hematological cancer predisposition syndrome associated with RUNX1. Last evaluated: 2022-10-28. Review status: criteria provided, single submitter. Criteria: Invitae Variant Classification Sherloc (09022015). Collection method: clinical testing. Allele origin: germline. Not counted in ClinVar's aggregate classification.
Comment: Algorithms developed to predict the effect of sequence changes on RNA splicing suggest that this variant may disrupt the consensus splice site. For these reasons, this variant has been classified as Pathogenic. ClinVar contains an entry for this variant (Variation ID: 943551). Disruption of this splice site has been observed in individual(s) with clinical features of RUNX1-related conditions (PMID: 27931139, 28240786). It has also been observed to segregate with disease in related individuals. This variant is not present in population databases (gnomAD no frequency). This sequence change affects a donor splice site in intron 4 of the RUNX1 gene. It is expected to disrupt RNA splicing. Variants that disrupt the donor or acceptor splice site typically lead to a loss of protein function (PMID: 16199547), and loss-of-function variants in RUNX1 are known to be pathogenic (PMID: 18723428, 24100448).

Literature cited by the submitters: PubMed 27931139 (cited by Labcorp Genetics (formerly Invitae), Labcorp); PubMed 28240786 (cited by Labcorp Genetics (formerly Invitae), Labcorp); PubMed 16199547 (cited by Labcorp Genetics (formerly Invitae), Labcorp); PubMed 18723428 (cited by Labcorp Genetics (formerly Invitae), Labcorp); PubMed 24100448 (cited by Labcorp Genetics (formerly Invitae), Labcorp).

NM_001754.5(RUNX1):c.351+2T>A

Gene: RUNX1 (RUNX family transcription factor 1; minus strand). Cytogenetic location: 21q22.12.
Variant type: single nucleotide variant.
Coding change: c.351+2T>A on transcript NM_001754.5 (MANE Select); the canonical splice donor site of the intron after coding-DNA position 351, T replaced by A.
Molecular consequence: splice donor variant.
Genome position (GRCh38, 1-based): chr21:34,886,841, A>T on the plus strand (T>A on the coding strand, the complement: RUNX1 is on the minus strand). VCF-style: chr21-34886841-A-T. GRCh37 (hg19) VCF-style: chr21-36259138-A-T.
Other names: c.270+2T>A (NM_001001890.3, NM_001122607.2).
Identifiers: ClinVar variation 943551 (VCV000943551.10), dbSNP rs2057997150, ClinGen allele CA410203328.